The following is an entry in ClinVar:

ClinVar aggregate classification (germline): Likely benign. Review status: criteria provided, multiple submitters, no conflicts (2 of 4 stars). 3 submissions from 3 submitters: Likely benign (3). Last evaluated 2025-10-24.

Allele frequency attached by ClinVar (database versions not stated): ExAC 0.00005; gnomAD 0.00007; TOPMed 0.00007; ESP Exome Variant Server 0.00008.
gnomAD v4.1: 41 of 1,613,944 alleles (0.0025%); highest among the groups gnomAD compares: African/African-American, 0.021%; no homozygotes.

Submissions (3):

Labcorp Genetics (formerly Invitae), Labcorp
Classification: Likely benign. Last evaluated: 2025-10-24. Review status: criteria provided, single submitter. Criteria: Invitae Variant Classification Sherloc (09022015). Collection method: clinical testing. Allele origin: germline.

Mayo Clinic Laboratories, Mayo Clinic
Classification: Likely benign. Last evaluated: 2025-02-10. Review status: criteria provided, single submitter. Criteria: ACMG Guidelines, 2015. Collection method: clinical testing. Allele origin: germline. Observed: 1 variant allele.
Comment: BP4, BP7

Blueprint Genetics
Classification: Likely benign. Last evaluated: 2024-07-05. Review status: criteria provided, single submitter. Criteria: ACMG Guidelines, 2015. Collection method: clinical testing. Allele origin: germline.

NM_005559.4(LAMA1):c.8238C>T (p.Phe2746=)

Gene: LAMA1 (laminin subunit alpha 1; minus strand). Cytogenetic location: 18p11.31.
Variant type: single nucleotide variant.
Coding change: c.8238C>T on transcript NM_005559.4 (MANE Select); coding-DNA position 8238, C replaced by T.
Protein change: p.Phe2746=; no amino-acid change (phenylalanine 2746 retained).
Molecular consequence: synonymous variant.
Genome position (GRCh38, 1-based): chr18:6,950,941, G>A on the plus strand (C>T on the coding strand, the complement: LAMA1 is on the minus strand). VCF-style: chr18-6950941-G-A. GRCh37 (hg19) VCF-style: chr18-6950940-G-A.
Other names: p.Phe2746=.
Identifiers: ClinVar variation 2984982 (VCV002984982.5), dbSNP rs150815120, ClinGen allele CA8880535.
Genomic context (GRCh38, chr18:6,950,941, plus strand): 5'-GAGCACAGCGTAGTCTGCTTGGTTCTGATGAGCCATGTAGTAAATCAGGCCGCTGGAGGC[G>A]AACGTGCGGATGCTTAGCTCAACCGAGAGCCTGGGGAAAACAAGTGCTCAGCGTTGAGAA-3'
Protein context (NP_005550.2, residues 2736-2756): KLSVELSIRT[Phe2746=]ASSGLIYYMA